The following is an entry in ClinVar:

ClinVar aggregate classification (germline): Uncertain significance (1 of 4 stars; one submission).

Conditions:
Autosomal recessive limb-girdle muscular dystrophy type 2J (LGMDR10). Also called: Limb-girdle muscular dystrophy, type 2J; MUSCULAR DYSTROPHY, LIMB-GIRDLE, AUTOSOMAL RECESSIVE 10. Identifiers: Orphanet 140922, MedGen C1837342, MONDO:0012127, OMIM 608807.
Dilated cardiomyopathy 1G (CMD1G). Identifiers: Orphanet 154, MedGen C1858763, MONDO:0011400, OMIM 604145.

Allele frequency attached by ClinVar (database versions not stated): gnomAD exomes below 0.00001; TOPMed below 0.00001; ExAC 0.00002.
gnomAD v4.1: 6 of 1,613,162 alleles (0.00037%); highest among the groups gnomAD compares: East Asian, 0.011%; no homozygotes.

Submission:

Labcorp Genetics (formerly Invitae), Labcorp
Classification: Uncertain significance for Dilated cardiomyopathy 1G; Autosomal recessive limb-girdle muscular dystrophy type 2J. Last evaluated: 2023-12-01. Review status: criteria provided, single submitter. Criteria: Invitae Variant Classification Sherloc (09022015). Collection method: clinical testing. Allele origin: germline.
Comment: This sequence change replaces serine, which is neutral and polar, with arginine, which is basic and polar, at codon 35668 of the TTN protein (p.Ser35668Arg). This variant is present in population databases (rs779265208, gnomAD 0.03%). This missense change has been observed in individual(s) with clinical features of congenital myopathy (PMID: 27066551). This variant is also known as c.99298A>C (p.S33100R). ClinVar contains an entry for this variant (Variation ID: 2203213). Experimental studies and prediction algorithms are not available or were not evaluated, and the functional significance of this variant is currently unknown. This variant is located in the M band of TTN (PMID: 25589632). Non-truncating variants in this region may be relevant for neuromuscular disorders, but have not been definitively shown to cause cardiomyopathy (PMID: 23975875). In summary, the available evidence is currently insufficient to determine the role of this variant in disease. Therefore, it has been classified as a Variant of Uncertain Significance.

Literature cited by the submitters: PubMed 27066551; PubMed 25589632; PubMed 23975875.

NM_001267550.2(TTN):c.107002A>C (p.Ser35668Arg)

Genes: TTN-AS1 (TTN antisense RNA 1; plus strand), TTN (titin; minus strand). Cytogenetic location: 2q31.2.
Variant type: single nucleotide variant.
Coding change: c.107002A>C on transcript NM_001267550.2 (MANE Select); coding-DNA position 107002, A replaced by C.
Protein change: p.Ser35668Arg; replaces serine 35668 with arginine.
Molecular consequence: missense variant.
Genome position (GRCh38, 1-based): chr2:178,528,749, T>G on the plus strand (A>C on the coding strand, the complement: TTN is on the minus strand). VCF-style: chr2-178528749-T-G. GRCh37 (hg19) VCF-style: chr2-179393476-T-G.
Other names: c.102079A>C, p.Ser34027Arg (NM_001256850.1); c.79807A>C, p.Ser26603Arg (NM_003319.4); c.99298A>C, p.Ser33100Arg (NM_133378.4); c.80182A>C, p.Ser26728Arg (NM_133432.3); c.80383A>C, p.Ser26795Arg (NM_133437.4); short protein forms S26603R, S26795R, S26728R, S33100R, S34027R, S35668R.
Identifiers: ClinVar variation 2203213 (VCV002203213.4), dbSNP rs779265208, ClinGen allele CA1985012.
Genomic context (GRCh38, chr2:178,528,749, plus strand): 5'-ACTTGACGATTCCTTCCTTGGTTTTGCTTATGCAGGTGAGGATTCCTTCATCTCTGTGAC[T>G]GGCTTGCTTGATGGTTAGGGTCTGATCGCTGCCTGAGACACCATATCGGTACTCCTCAGA-3'
Protein context (NP_001254479.2, residues 35658-35678): SDQTLTIKQA[Ser35668Arg]HRDEGILTCI